The following is an entry in ClinVar:

NM_014264.5(PLK4):c.2509A>G (p.Met837Val)

Gene: PLK4 (polo like kinase 4; plus strand). Cytogenetic location: 4q28.1.
Variant type: single nucleotide variant.
Coding change: c.2509A>G on transcript NM_014264.5 (MANE Select); coding-DNA position 2509, A replaced by G.
Protein change: p.Met837Val; replaces methionine 837 with valine.
Molecular consequence: missense variant.
Genome position (GRCh38, 1-based): chr4:127,893,828, A>G. VCF-style: chr4-127893828-A-G. GRCh37 (hg19) VCF-style: chr4-128814983-A-G.
Other names: c.2413A>G, p.Met805Val (NM_001190799.2); c.2386A>G, p.Met796Val (NM_001190801.2); short protein forms M837V, M796V, M805V.
Identifiers: ClinVar variation 839845 (VCV000839845.6), dbSNP rs1735458877, ClinGen allele CA358162703.
Genomic context (GRCh38, chr4:127,893,828, plus strand): 5'-TCACCTCCTCCTTCTGTGGATTCAAATTACCCAACGAGAGAGAGAGCATCTTTCAACAGA[A>G]TGGTCATGCATAGTGCTGCTTCTCCAACACAGGCACCAATCCTTAATCCCTCTGTAAGTA-3'
Protein context (NP_055079.3, residues 827-847): PTRERASFNR[Met837Val]VMHSAASPTQ

ClinVar aggregate classification (germline): Uncertain significance (1 of 4 stars; one submission).

Allele frequency attached by ClinVar (database versions not stated): gnomAD exomes below 0.00001.
gnomAD v4.1: 1 of 1,611,854 alleles (0.000062%); highest among the groups gnomAD compares: Non-Finnish European, 0.000085%; no homozygotes.

Submission:

Labcorp Genetics (formerly Invitae), Labcorp
Classification: Uncertain significance. Last evaluated: 2020-02-22. Review status: criteria provided, single submitter. Criteria: Invitae Variant Classification Sherloc (09022015). Collection method: clinical testing. Allele origin: germline.
Comment: This sequence change replaces methionine with valine at codon 837 of the PLK4 protein (p.Met837Val). The methionine residue is weakly conserved and there is a small physicochemical difference between methionine and valine. This variant is not present in population databases (ExAC no frequency). This variant has not been reported in the literature in individuals with PLK4-related conditions. Algorithms developed to predict the effect of missense changes on protein structure and function output the following: SIFT: "Tolerated"; PolyPhen-2: "Benign"; Align-GVGD: "Class C0". The valine amino acid residue is found in multiple mammalian species, suggesting that this missense change does not adversely affect protein function. These predictions have not been confirmed by published functional studies and their clinical significance is uncertain. In summary, the available evidence is currently insufficient to determine the role of this variant in disease. Therefore, it has been classified as a Variant of Uncertain Significance.